The following is an entry in ClinVar:

NM_001127208.3(TET2):c.5582del (p.Gly1861fs)

Genes: TET2 (tet methylcytosine dioxygenase 2; plus strand), TET2-AS1 (TET2 antisense RNA 1; minus strand). Cytogenetic location: 4q24.
Variant type: Deletion.
Coding change: c.5582del on transcript NM_001127208.3 (MANE Select); coding-DNA position 5582, one base deleted (G; older notation c.5582delG).
Protein change: p.Gly1861fs; shifts the reading frame from glycine 1861.
Molecular consequence: frameshift variant.
Genome position (GRCh38, 1-based): chr4:105,276,092, G deleted; the last of 5 consecutive G bases (chr4:105,276,088-105,276,092); deleting any one gives the same sequence. VCF-style (leftmost placement, unchanged base first): chr4-105276087-TG-T. GRCh37 (hg19) VCF-style: chr4-106197244-TG-T.
Other names: short protein forms G1861fs.
Identifiers: ClinVar variation 3644011 (VCV003644011.2).

ClinVar aggregate classification (germline): Uncertain significance (1 of 4 stars; one submission).

Submission:

Labcorp Genetics (formerly Invitae), Labcorp
Classification: Uncertain significance. Last evaluated: 2024-03-01. Review status: criteria provided, single submitter. Criteria: Invitae Variant Classification Sherloc (09022015). Collection method: clinical testing. Allele origin: germline.
Comment: This sequence change creates a premature translational stop signal (p.Gly1861Glufs*26) in the TET2 gene. While this is not anticipated to result in nonsense mediated decay, it is expected to disrupt the last 142 amino acid(s) of the TET2 protein. This variant is not present in population databases (gnomAD no frequency). This variant has not been reported in the literature in individuals affected with TET2-related conditions. In summary, the available evidence is currently insufficient to determine the role of this variant in disease. Therefore, it has been classified as a Variant of Uncertain Significance.